The following is an entry in ClinVar:

NM_001267550.2(TTN):c.13700A>G (p.Asp4567Gly)

Gene: TTN (titin; minus strand). Cytogenetic location: 2q31.2.
Variant type: single nucleotide variant.
Coding change: c.13700A>G on transcript NM_001267550.2 (MANE Select); coding-DNA position 13700, A replaced by G.
Protein change: p.Asp4567Gly; replaces aspartic acid 4567 with glycine.
Molecular consequence: missense variant. On other transcripts: intron variant (1).
Genome position (GRCh38, 1-based): chr2:178,739,533, T>C on the plus strand (A>G on the coding strand, the complement: TTN is on the minus strand). VCF-style: chr2-178739533-T-C. GRCh37 (hg19) VCF-style: chr2-179604260-T-C.
Other names: c.12749A>G, p.Asp4250Gly (NM_001256850.1); c.12611A>G, p.Asp4204Gly (NM_003319.4); c.12986A>G, p.Asp4329Gly (NM_133432.3); c.13187A>G, p.Asp4396Gly (NM_133437.4); c.10361-1173A>G (NM_133378.4); c.13700A>G (NM_001267550.1); short protein forms D4250G, D4567G, D4204G, D4396G, D4329G.
Identifiers: ClinVar variation 511915 (VCV000511915.9), dbSNP rs745641339, ClinGen allele CA2002539.

ClinVar aggregate classification (germline): Uncertain significance. Review status: criteria provided, multiple submitters, no conflicts (2 of 4 stars). 5 submissions from 5 submitters: Uncertain significance (5). Last evaluated 2026-03-03.

Conditions:
TTN-related disorder. Also called: TTN-related condition; TTN-related disease; TTN-related disorders.
Cardiovascular phenotype. Identifiers: MedGen CN230736.
Myopathy, myofibrillar, 9, with early respiratory failure (MFM9). Also called: Hereditary myopathy with early respiratory failure; EDSTROM MYOPATHY; MYOPATHY, PROXIMAL, WITH EARLY RESPIRATORY MUSCLE INVOLVEMENT; Myopathy, distal, with early respiratory failure, autosomal dominant. Identifiers: Orphanet 178464, Orphanet 34521, MedGen C1863599, MONDO:0011362, OMIM 603689.
Autosomal recessive limb-girdle muscular dystrophy type 2J (LGMDR10). Also called: Limb-girdle muscular dystrophy, type 2J; MUSCULAR DYSTROPHY, LIMB-GIRDLE, AUTOSOMAL RECESSIVE 10. Identifiers: Orphanet 140922, MedGen C1837342, MONDO:0012127, OMIM 608807.
Dilated cardiomyopathy 1G (CMD1G). Identifiers: Orphanet 154, MedGen C1858763, MONDO:0011400, OMIM 604145.
Early-onset myopathy with fatal cardiomyopathy (CMYO5). Also called: Salih Myopathy; CONGENITAL MYOPATHY 5 WITH CARDIOMYOPATHY. Identifiers: Orphanet 289377, MedGen C2673677, MONDO:0012714, OMIM 611705. Disease mechanism: loss of function.
Tibial muscular dystrophy (TMD). Also called: Udd Distal Myopathy – Tibial Muscular Dystrophy; UDD MYOPATHY; Tibial muscular dystrophy, tardive. Identifiers: Orphanet 609, MedGen C1838244, MONDO:0010870, OMIM 600334.
Hypertrophic cardiomyopathy 9. Also called: Familial hypertrophic cardiomyopathy 9. Identifiers: MedGen C1861065, MONDO:0013412, OMIM 613765.

Allele frequency attached by ClinVar (database versions not stated): gnomAD exomes 0.00001 and 0.00002; ExAC 0.00002; gnomAD 0.00007 and 0.00010; TOPMed 0.00012.

Submissions (5):

Women's Health and Genetics/Laboratory Corporation of America, LabCorp
Classification: Uncertain significance. Last evaluated: 2026-03-03. Review status: criteria provided, single submitter. Criteria: LabCorp Variant Classification Summary - May 2015. Collection method: clinical testing. Allele origin: germline.
Comment: Variant summary: TTN c.10361-1173A>G is located at a position not widely known to affect splicing. This variant corresponds to c.13700A>G, p.Asp4567Gly in NM_001267550. The variant allele was found at a frequency of 2e-05 in 248354 control chromosomes. The available data on variant occurrences in the general population are insufficient to allow any conclusion about variant significance. To our knowledge, no occurrence of c.10361-1173A>G in individuals affected with TTN-related conditions and no experimental evidence demonstrating its impact on protein function have been reported. ClinVar contains an entry for this variant (Variation ID: 511915). Based on the evidence outlined above, the variant was classified as uncertain significance.

PreventionGenetics, part of Exact Sciences
Classification: Uncertain significance for TTN-related condition. Last evaluated: 2026-02-03. Review status: criteria provided, single submitter. Criteria: ACMG Guidelines, 2015. Collection method: clinical testing. Allele origin: germline.
Comment: The TTN c.13700A>G variant is predicted to result in the amino acid substitution p.Asp4567Gly. To our knowledge, this variant has not been reported in the literature. This variant is reported in 0.0058% of alleles in individuals of Latino descent in gnomAD. At this time, the clinical significance of this variant is uncertain due to the absence of conclusive functional and genetic evidence.

GeneDx
Classification: Uncertain significance. Last evaluated: 2024-05-29. Review status: criteria provided, single submitter. Criteria: GeneDx Variant Classification Process June 2021. Collection method: clinical testing. Allele origin: germline. Affected: yes.
Comment: Not observed at a significant frequency in large population cohorts (gnomAD); Missense variant in a gene in which most reported pathogenic variants are truncating/loss of function; Has not been previously published as pathogenic or benign to our knowledge

Fulgent Genetics
Classification: Uncertain significance for Tibial muscular dystrophy; Myopathy, myofibrillar, 9, with early respiratory failure; Dilated cardiomyopathy 1G; Autosomal recessive limb-girdle muscular dystrophy type 2J; Early-onset myopathy with fatal cardiomyopathy; Hypertrophic cardiomyopathy 9. Last evaluated: 2021-09-23. Review status: criteria provided, single submitter. Criteria: ACMG Guidelines, 2015. Collection method: clinical testing. Allele origin: unknown.

Ambry Genetics
Classification: Uncertain significance for Cardiovascular phenotype. Last evaluated: 2020-07-21. Review status: criteria provided, single submitter. Criteria: Ambry Variant Classification Scheme 2023. Collection method: clinical testing. Allele origin: germline.
Comment: The p.D4204G variant (also known as c.12611A>G), located in coding exon 44 of the TTN gene, results from an A to G substitution at nucleotide position 12611. The aspartic acid at codon 4204 is replaced by glycine, an amino acid with similar properties. This amino acid position is poorly conserved in available vertebrate species. In addition, this alteration is predicted to be tolerated by in silico analysis. Since supporting evidence is limited at this time, the clinical significance of this alteration remains unclear.